The following is an entry in ClinVar:

NC_012920.1(MT-ATP8):m.8480C>T

Gene: MT-ATP8 (mitochondrially encoded ATP synthase 8; plus strand).
Variant type: single nucleotide variant.
Genome position: chrM-8480-C-T.
Identifiers: ClinVar variation 692873 (VCV000692873.1), dbSNP rs1603221520, ClinGen allele CA414796281.

ClinVar aggregate classification (germline): Uncertain significance (1 of 4 stars; one submission).

Conditions:
Leigh syndrome (NULS). Also called: Leigh's necrotizing encephalopathy; Leigh's disease; Leigh Syndrome (mtDNA deletion); Leigh Disease; Subacute necrotizing encephalopathy; Necrotizing encephalopathy infantile subacute of Leigh. Identifiers: Orphanet 506, MedGen C2931891, MONDO:0009723, OMIM 256000.

Submission:

Wong Mito Lab, Molecular and Human Genetics, Baylor College of Medicine
Classification: Uncertain significance for Leigh syndrome. Last evaluated: 2019-10-17. Review status: criteria provided, single submitter. Criteria: Modified ACMG Guidelines (Unpublished). Collection method: clinical testing. Allele origin: germline.
Comment: The NC_012920.1:m.8480C>T (YP_003024030.1:p.Pro39Ser) variant in MTATP8 gene is interpretated to be a Uncertain Significance variant based on the modified ACMG guidelines (unpublished). This variant meets the following evidence codes: BS1